The following is an entry in ClinVar:

NM_001366385.1(CARD14):c.150C>G (p.Cys50Trp)

Gene: CARD14 (caspase recruitment domain family member 14; plus strand). Cytogenetic location: 17q25.3.
Variant type: single nucleotide variant.
Coding change: c.150C>G on transcript NM_001366385.1 (MANE Select); coding-DNA position 150, C replaced by G.
Protein change: p.Cys50Trp; replaces cysteine 50 with tryptophan.
Molecular consequence: missense variant. On other transcripts: non-coding transcript variant (1).
Genome position (GRCh38, 1-based): chr17:80,181,588, C>G. VCF-style: chr17-80181588-C-G. GRCh37 (hg19) VCF-style: chr17-78155387-C-G.
Other names: c.150C>G, p.Cys50Trp (NM_024110.4, NM_001257970.1); short protein forms C50W.
Identifiers: ClinVar variation 2424855 (VCV002424855.7), dbSNP rs145933018, ClinGen allele CA401353207.

ClinVar aggregate classification (germline): Uncertain significance (1 of 4 stars; one submission).

Conditions:
Pityriasis rubra pilaris (PRP). Also called: Pityriasis rubra pilaris--familial type. Identifiers: Orphanet 2897, MedGen C0032027, MONDO:0100017, OMIM 173200, MONDO:0008251.
Psoriasis 2. Identifiers: MedGen C1864497, MONDO:0011269, OMIM 602723.

Submission:

Labcorp Genetics (formerly Invitae), Labcorp
Classification: Uncertain significance for Pityriasis rubra pilaris; Psoriasis 2. Last evaluated: 2022-02-22. Review status: criteria provided, single submitter. Criteria: Invitae Variant Classification Sherloc (09022015). Collection method: clinical testing. Allele origin: germline.
Comment: In summary, the available evidence is currently insufficient to determine the role of this variant in disease. Therefore, it has been classified as a Variant of Uncertain Significance. Algorithms developed to predict the effect of missense changes on protein structure and function are either unavailable or do not agree on the potential impact of this missense change (SIFT: "Deleterious"; PolyPhen-2: "Possibly Damaging"; Align-GVGD: "Class C15"). This variant has not been reported in the literature in individuals affected with CARD14-related conditions. This variant is not present in population databases (gnomAD no frequency). This sequence change replaces cysteine, which is neutral and slightly polar, with tryptophan, which is neutral and slightly polar, at codon 50 of the CARD14 protein (p.Cys50Trp).